The following is an entry in ClinVar:

ClinVar aggregate classification (germline): Uncertain significance. Review status: criteria provided, multiple submitters, no conflicts (2 of 4 stars). 3 submissions from 3 submitters: Uncertain significance (3). Last evaluated 2026-03-12.

Conditions:
Hereditary cancer-predisposing syndrome. Also called: Tumor predisposition; Hereditary neoplastic syndrome; Hereditary Cancer Syndrome; Neoplastic Syndromes, Hereditary. Identifiers: Orphanet 140162, MedGen C0027672, MeSH D009386, MONDO:0015356.
Retinoblastoma (RB1). Also called: RETINOBLASTOMA, SOMATIC. Identifiers: Orphanet 790, MedGen C0035335, MeSH D012175, MONDO:0008380, OMIM 180200, HP:0009919. Disease mechanism: loss of function. Inheritance: Both sporadic and heritable forms are tested..

Allele frequency attached by ClinVar (database versions not stated): gnomAD exomes below 0.00001.

Submissions (3):

Ambry Genetics
Classification: Uncertain significance for Hereditary cancer-predisposing syndrome. Last evaluated: 2026-03-12. Review status: criteria provided, single submitter. Criteria: Ambry Variant Classification Scheme 2023. Collection method: clinical testing. Allele origin: germline.
Comment: The p.P371S variant (also known as c.1111C>T), located in coding exon 11 of the RB1 gene, results from a C to T substitution at nucleotide position 1111. The proline at codon 371 is replaced by serine, an amino acid with similar properties. This amino acid position is conserved. In addition, the in silico prediction for this alteration is inconclusive. Based on the available evidence, the clinical significance of this variant remains unclear.

Labcorp Genetics (formerly Invitae), Labcorp
Classification: Uncertain significance for Retinoblastoma. Last evaluated: 2023-08-25. Review status: criteria provided, single submitter. Criteria: Invitae Variant Classification Sherloc (09022015). Collection method: clinical testing. Allele origin: germline.
Comment: Advanced modeling of protein sequence and biophysical properties (such as structural, functional, and spatial information, amino acid conservation, physicochemical variation, residue mobility, and thermodynamic stability) has been performed at Invitae for this missense variant, however the output from this modeling did not meet the statistical confidence thresholds required to predict the impact of this variant on RB1 protein function. This sequence change replaces proline, which is neutral and non-polar, with serine, which is neutral and polar, at codon 371 of the RB1 protein (p.Pro371Ser). This variant is not present in population databases (gnomAD no frequency). This variant has not been reported in the literature in individuals affected with RB1-related conditions. ClinVar contains an entry for this variant (Variation ID: 955702). In summary, the available evidence is currently insufficient to determine the role of this variant in disease. Therefore, it has been classified as a Variant of Uncertain Significance.

Mendelics
Classification: Uncertain significance. Last evaluated: 2022-05-04. Review status: criteria provided, single submitter. Criteria: Mendelics Assertion Criteria 2019. Collection method: clinical testing. Allele origin: germline.

NM_000321.3(RB1):c.1111C>T (p.Pro371Ser)

Gene: RB1 (RB transcriptional corepressor 1; plus strand). Cytogenetic location: 13q14.2.
Variant type: single nucleotide variant.
Coding change: c.1111C>T on transcript NM_000321.3 (MANE Select); coding-DNA position 1111, C replaced by T.
Protein change: p.Pro371Ser; replaces proline 371 with serine.
Molecular consequence: missense variant.
Genome position (GRCh38, 1-based): chr13:48,368,588, C>T. VCF-style: chr13-48368588-C-T. GRCh37 (hg19) VCF-style: chr13-48942724-C-T.
Other names: short protein forms P371S.
Identifiers: ClinVar variation 955702 (VCV000955702.11), dbSNP rs1952727399, ClinGen allele CA388161324.